The following is an entry in ClinVar:

ClinVar aggregate classification (germline): Pathogenic (1 of 4 stars; one submission).

gnomAD v4.1: 2 of 1,614,270 alleles (0.00012%); highest among the groups gnomAD compares: Non-Finnish European, 0.00017%; no homozygotes.

Submission:

Labcorp Genetics (formerly Invitae), Labcorp
Classification: Pathogenic. Last evaluated: 2023-04-12. Review status: criteria provided, single submitter. Criteria: Invitae Variant Classification Sherloc (09022015). Collection method: clinical testing. Allele origin: germline.
Comment: This sequence change creates a premature translational stop signal (p.Ser7*) in the NDUFS4 gene. It is expected to result in an absent or disrupted protein product. Loss-of-function variants in NDUFS4 are known to be pathogenic (PMID: 10944442, 16213125). This variant is not present in population databases (gnomAD no frequency). This premature translational stop signal has been observed in individual(s) with mitochondrial complex I deficiency (PMID: 28646906). Algorithms developed to predict the effect of sequence changes on RNA splicing suggest that this variant may create or strengthen a splice site. For these reasons, this variant has been classified as Pathogenic.

Literature cited by the submitters: PubMed 10944442; PubMed 16213125; PubMed 28646906.

NM_002495.4(NDUFS4):c.20C>A (p.Ser7Ter)

Genes: NDUFS4 (NADH:ubiquinone oxidoreductase subunit S4; plus strand), LOC129993885 (ATAC-STARR-seq lymphoblastoid active region 22547; plus strand). Cytogenetic location: 5q11.2.
Variant type: single nucleotide variant.
Coding change: c.20C>A on transcript NM_002495.4 (MANE Select); coding-DNA position 20, C replaced by A.
Protein change: p.Ser7Ter; replaces serine 7 with a stop codon.
Molecular consequence: nonsense. On other transcripts: non-coding transcript variant (3).
Genome position (GRCh38, 1-based): chr5:53,560,682, C>A. VCF-style: chr5-53560682-C-A. GRCh37 (hg19) VCF-style: chr5-52856512-C-A.
Other names: c.20C>A, p.Ser7Ter (NM_001318051.2); short protein forms S7*.
Identifiers: ClinVar variation 2855330 (VCV002855330.3), dbSNP rs769292531, ClinGen allele CA359718955.